The following is an entry in ClinVar:

ClinVar aggregate classification (germline): Uncertain significance (1 of 4 stars; one submission).

gnomAD v4.1: 1 of 1,614,038 alleles (0.000062%); highest among the groups gnomAD compares: Non-Finnish European, 0.000085%; no homozygotes.

Submission:

Labcorp Genetics (formerly Invitae), Labcorp
Classification: Uncertain significance. Last evaluated: 2025-03-18. Review status: criteria provided, single submitter. Criteria: Invitae Variant Classification Sherloc (09022015). Collection method: clinical testing. Allele origin: germline.
Comment: This sequence change replaces proline, which is neutral and non-polar, with arginine, which is basic and polar, at codon 948 of the SON protein (p.Pro948Arg). This variant is present in population databases (no rsID available, gnomAD 0.0009%). This variant has not been reported in the literature in individuals affected with SON-related conditions. An algorithm developed to predict the effect of missense changes on protein structure and function (PolyPhen-2) suggests that this variant is likely to be disruptive. In summary, the available evidence is currently insufficient to determine the role of this variant in disease. Therefore, it has been classified as a Variant of Uncertain Significance.

NM_138927.4(SON):c.2843C>G (p.Pro948Arg)

Gene: SON (SON DNA and RNA binding protein; plus strand). Cytogenetic location: 21q22.11.
Variant type: single nucleotide variant.
Coding change: c.2843C>G on transcript NM_138927.4 (MANE Select); coding-DNA position 2843, C replaced by G.
Protein change: p.Pro948Arg; replaces proline 948 with arginine.
Molecular consequence: missense variant. On other transcripts: non-coding transcript variant (1), intron variant (1).
Genome position (GRCh38, 1-based): chr21:33,552,074, C>G. VCF-style: chr21-33552074-C-G. GRCh37 (hg19) VCF-style: chr21-34924380-C-G.
Other names: c.2843C>G, p.Pro948Arg (NM_001291411.2, NM_032195.3); c.245-5082C>G (NM_001291412.3); short protein forms P948R.
Identifiers: ClinVar variation 4766500 (VCV004766500.1).